The following is an entry in ClinVar:

NM_000088.4(COL1A1):c.2110G>T (p.Gly704Cys)

Gene: COL1A1 (collagen type I alpha 1 chain; minus strand). Cytogenetic location: 17q21.33.
Variant type: single nucleotide variant.
Coding change: c.2110G>T on transcript NM_000088.4 (MANE Select); coding-DNA position 2110, G replaced by T.
Protein change: p.Gly704Cys; replaces glycine 704 with cysteine.
Molecular consequence: missense variant.
Genome position (GRCh38, 1-based): chr17:50,191,805, C>A on the plus strand (G>T on the coding strand, the complement: COL1A1 is on the minus strand). VCF-style: chr17-50191805-C-A. GRCh37 (hg19) VCF-style: chr17-48269166-C-A.
Other names: G526C; c.2110G>T (LRG_1t1); short protein forms G704C.
Identifiers: ClinVar variation 17288 (VCV000017288.3), dbSNP rs67368147, ClinGen allele CA257818.

ClinVar aggregate classification (germline): Pathogenic. Review status: criteria provided, single submitter (1 of 4 stars). 3 submissions from 3 submitters: Pathogenic (1). 2 of the submissions do not count toward it. Last evaluated 2025-05-23.

Conditions:
Osteogenesis imperfecta with normal sclerae, dominant form (OI4). Also called: OSTEOGENESIS IMPERFECTA WITH NORMAL SCLERAE; OSTEOGENESIS IMPERFECTA, TYPE IV, WITH DENTINOGENESIS IMPERFECTA; Osteogenesis imperfecta type 4; Osteogenesis Imperfecta Type IV; Common Variable Osteogenesis Imperfecta with Normal Sclerae. Identifiers: Orphanet 216820, Orphanet 666, MedGen C0268363, MONDO:0008148, OMIM 166220.
Osteogenesis imperfecta type III (OI3). Also called: Osteogenesis imperfecta type 3; OI type 3; Osteogenesis imperfecta, progressively deforming with normal sclerae; OI type III; Progressively Deforming Osteogenesis Imperfecta. Identifiers: Orphanet 216812, Orphanet 666, MedGen C0268362, MONDO:0009804, OMIM 259420.

Submissions (3):

Clinical Biomedical Laboratory, Shriners Hospital For Children - Canada
Classification: Pathogenic for Osteogenesis imperfecta type III. Last evaluated: 2025-05-23. Review status: criteria provided, single submitter. Criteria: ACMG Guidelines, 2015. Collection method: clinical testing. Allele origin: germline. Affected: yes.
Comment: This variant is predicted to substitute a glycine residue by a cysteine residue in the triple-helical domain of the alpha 1 chain of collagen type I. Glycine substitutions in the triple helical domain of collagen type I cause disruption in the formation of the triple helix in the collagen molecule and are a typical cause of osteogenesis imperfecta. In the Genome Aggregation Database (gnomAD v2.1.1) this variant is not present. The variant is predicted to be deleterious to protein function (Revel 1.00). This variant has been reported in the literature (e.g., PMID 28498836).

OMIM
Classification: Pathogenic for OSTEOGENESIS IMPERFECTA, TYPE III. Last evaluated: 1989-10-01. Review status: no assertion criteria provided. Collection method: literature only. Allele origin: germline. Not counted in ClinVar's aggregate classification.

Department of Medical Sciences, Uppsala University
Classification: Pathogenic for OI type IV. Review status: no assertion criteria provided. Collection method: clinical testing. Allele origin: maternal. Affected: yes. Observed: 1 variant allele. Not counted in ClinVar's aggregate classification.

Literature cited by the submitters: PubMed 28498836 (cited by Clinical Biomedical Laboratory, Shriners Hospital For Children - Canada); PubMed 2794057 (cited by OMIM); PubMed 25944380 (cited by Department of Medical Sciences, Uppsala University).